The following is an entry in ClinVar:

ClinVar aggregate classification (germline): Uncertain significance (1 of 4 stars; one submission).

Conditions:
Inborn genetic diseases. Identifiers: MedGen C0950123, MeSH D030342.

gnomAD v4.1: 1 of 1,612,656 alleles (0.000062%); highest among the groups gnomAD compares: Non-Finnish European, 0.000085%; no homozygotes.

Submission:

Ambry Genetics
Classification: Uncertain significance for Inborn genetic diseases. Last evaluated: 2026-01-13. Review status: criteria provided, single submitter. Criteria: Ambry Variant Classification Scheme 2023. Collection method: clinical testing. Allele origin: germline.
Comment: The p.V901G variant (also known as c.2702T>G), located in coding exon 28 of the RTEL1 gene, results from a T to G substitution at nucleotide position 2702. The valine at codon 901 is replaced by glycine, an amino acid with dissimilar properties. This amino acid position is conserved. In addition, this alteration is predicted to be tolerated by in silico analysis. Based on the available evidence, the clinical significance of this variant remains unclear.

NM_001283009.2(RTEL1):c.2702T>G (p.Val901Gly)

Genes: RTEL1 (regulator of telomere elongation helicase 1; plus strand), RTEL1-TNFRSF6B (RTEL1-TNFRSF6B readthrough (NMD candidate); plus strand). Cytogenetic location: 20q13.33.
Variant type: single nucleotide variant.
Coding change: c.2702T>G on transcript NM_001283009.2 (MANE Select); coding-DNA position 2702, T replaced by G.
Protein change: p.Val901Gly; replaces valine 901 with glycine.
Molecular consequence: missense variant. On other transcripts: non-coding transcript variant (1).
Genome position (GRCh38, 1-based): chr20:63,692,854, T>G. VCF-style: chr20-63692854-T-G. GRCh37 (hg19) VCF-style: chr20-62324207-T-G.
Other names: c.2033T>G, p.Val678Gly (NM_001283010.1); c.2702T>G, p.Val901Gly (NM_016434.4); c.2774T>G, p.Val925Gly (NM_032957.5); short protein forms V678G, V901G, V925G.
Identifiers: ClinVar variation 4844091 (VCV004844091.1).